The following is an entry in ClinVar:

NM_004586.3(RPS6KA3):c.1299C>G (p.Tyr433Ter)

Gene: RPS6KA3 (ribosomal protein S6 kinase A3; minus strand). Cytogenetic location: Xp22.12.
Variant type: single nucleotide variant.
Coding change: c.1299C>G on transcript NM_004586.3 (MANE Select); coding-DNA position 1299, C replaced by G.
Protein change: p.Tyr433Ter; replaces tyrosine 433 with a stop codon.
Molecular consequence: nonsense.
Genome position (GRCh38, 1-based): chrX:20,172,800, G>C on the plus strand (C>G on the coding strand, the complement: RPS6KA3 is on the minus strand). VCF-style: chrX-20172800-G-C. GRCh37 (hg19) VCF-style: chrX-20190918-G-C.
Other names: short protein forms Y433*.
Identifiers: ClinVar variation 3947680 (VCV003947680.1).
Genomic context (GRCh38, chrX:20,172,800, plus strand): 5'-ATTTACCTTCACTGCAAACTCCATGTTTGTAGCTTTATGTATACATCTCTTGCAAACAGA[G>C]TAGGAGCCAACTCCAATATCTTCTTTTACTTCATATCCATCAGTAAACTGAATACTGTTC-3'

ClinVar aggregate classification (germline): Pathogenic (1 of 4 stars; one submission).

Conditions:
Inborn genetic diseases. Identifiers: MedGen C0950123, MeSH D030342.

Submission:

Ambry Genetics
Classification: Pathogenic for Inborn genetic diseases. Last evaluated: 2025-03-20. Review status: criteria provided, single submitter. Criteria: Ambry Variant Classification Scheme 2023. Collection method: clinical testing. Allele origin: germline.
Comment: The c.1299C>G (p.Y433*) alteration, located in exon 15 (coding exon 15) of the RPS6KA3 gene, consists of a C to G substitution at nucleotide position 1299. This changes the amino acid from a tyrosine (Y) to a stop codon at amino acid position 433. This alteration is expected to result in loss of function by premature protein truncation or nonsense-mediated mRNA decay. This variant was not reported in population-based cohorts in the Genome Aggregation Database (gnomAD). Based on the available evidence, this alteration is classified as pathogenic.